The following is an entry in ClinVar:

NM_001353108.3(CEP63):c.1673+1G>C

Gene: CEP63 (centrosomal protein 63; plus strand). Cytogenetic location: 3q22.2.
Variant type: single nucleotide variant.
Coding change: c.1673+1G>C on transcript NM_001353108.3 (MANE Select); the canonical splice donor site of the intron after coding-DNA position 1673, G replaced by C.
Molecular consequence: splice donor variant. On other transcripts: intron variant (17).
Genome position (GRCh38, 1-based): chr3:134,558,348, G>C. VCF-style: chr3-134558348-G-C. GRCh37 (hg19) VCF-style: chr3-134277190-G-C.
Other names: c.1467+6336G>C (NM_001353113.1, NM_001353117.2); c.1329+6336G>C (NM_001042384.2, NM_001353124.2, NM_001353123.2); c.1330-3029G>C (NM_001353122.1, NM_001042383.2, NM_001353121.2 and 2 more transcripts); c.1468-3029G>C (NM_001353110.1, NM_001353112.2, NM_001353111.2 and 1 more transcripts); c.1535+1G>C (NM_001353109.1); c.1357-3029G>C (NM_001353118.1); c.967-3029G>C (NM_001353126.2); c.1673+1G>C (NM_025180.5); and 1 more.
Identifiers: ClinVar variation 2120449 (VCV002120449.4), dbSNP rs1396633264, ClinGen allele CA354633510.

ClinVar aggregate classification (germline): Likely pathogenic (1 of 4 stars; one submission).

Submission:

Labcorp Genetics (formerly Invitae), Labcorp
Classification: Likely pathogenic. Last evaluated: 2022-09-01. Review status: criteria provided, single submitter. Criteria: Invitae Variant Classification Sherloc (09022015). Collection method: clinical testing. Allele origin: germline.
Comment: This sequence change affects a donor splice site in intron 14 of the CEP63 gene. It is expected to disrupt RNA splicing. Variants that disrupt the donor or acceptor splice site typically lead to a loss of protein function (PMID: 16199547), and loss-of-function variants in CEP63 are known to be pathogenic (PMID: 21983783, 23936128, 26158450). This variant is not present in population databases (gnomAD no frequency). This variant has not been reported in the literature in individuals affected with CEP63-related conditions. In summary, the currently available evidence indicates that the variant is pathogenic, but additional data are needed to prove that conclusively. Therefore, this variant has been classified as Likely Pathogenic.

Literature cited by the submitters: PubMed 16199547; PubMed 21983783; PubMed 23936128; PubMed 26158450.